The following is an entry in ClinVar:

NM_003283.6(TNNT1):c.746A>G (p.Tyr249Cys)

Gene: TNNT1 (troponin T1, slow skeletal type; minus strand). Cytogenetic location: 19q13.42.
Variant type: single nucleotide variant.
Coding change: c.746A>G on transcript NM_003283.6 (MANE Select); coding-DNA position 746, A replaced by G.
Protein change: p.Tyr249Cys; replaces tyrosine 249 with cysteine.
Molecular consequence: missense variant.
Genome position (GRCh38, 1-based): chr19:55,134,070, T>C on the plus strand (A>G on the coding strand, the complement: TNNT1 is on the minus strand). VCF-style: chr19-55134070-T-C. GRCh37 (hg19) VCF-style: chr19-55645438-T-C.
Other names: c.665A>G, p.Tyr222Cys (NM_001291774.2, NM_001126133.3); c.698A>G, p.Tyr233Cys (NM_001126132.3); short protein forms Y222C, Y233C, Y249C.
Identifiers: ClinVar variation 1713944 (VCV001713944.6), dbSNP rs2515403733, ClinGen allele CA407431493.
Genomic context (GRCh38, chr19:55,134,070, plus strand): 5'-CCCTCCCAGCCCAGCCCTGCCCTCTCTCCCTCCCTCCCTGCGGAGCTGGGTCTCACCTCA[T>C]ATTTCTGCTGTTTCAGCTTCGCCATCAGGTCGAACTTCTCAGACTCCAGCTGGTGGATCC-3'
Protein context (NP_003274.3, residues 239-259): DLMAKLKQQK[Tyr249Cys]EINVLYNRIS

ClinVar aggregate classification (germline): Uncertain significance (1 of 4 stars; one submission).

Conditions:
Nemaline myopathy 5 (NEM5A). Also called: Nemaline myopathy 5, Amish type; NEMALINE MYOPATHY, AMISH TYPE; NEMALINE MYOPATHY 5A, AUTOSOMAL RECESSIVE, SEVERE INFANTILE. Identifiers: Orphanet 98902, MedGen C1854380, MONDO:0011539, OMIM 605355.

Allele frequency attached by ClinVar (database versions not stated): gnomAD exomes below 0.00001.
gnomAD v4.1: 1 of 1,612,958 alleles (0.000062%); highest among the groups gnomAD compares: Non-Finnish European, 0.000085%; no homozygotes.

Submission:

Labcorp Genetics (formerly Invitae), Labcorp
Classification: Uncertain significance for Nemaline myopathy 5. Last evaluated: 2022-07-27. Review status: criteria provided, single submitter. Criteria: Invitae Variant Classification Sherloc (09022015). Collection method: clinical testing. Allele origin: germline.
Comment: In summary, the available evidence is currently insufficient to determine the role of this variant in disease. Therefore, it has been classified as a Variant of Uncertain Significance. Algorithms developed to predict the effect of missense changes on protein structure and function are either unavailable or do not agree on the potential impact of this missense change (SIFT: "Deleterious"; PolyPhen-2: "Probably Damaging"; Align-GVGD: "Class C0"). This variant has not been reported in the literature in individuals affected with TNNT1-related conditions. This variant is not present in population databases (gnomAD no frequency). This sequence change replaces tyrosine, which is neutral and polar, with cysteine, which is neutral and slightly polar, at codon 249 of the TNNT1 protein (p.Tyr249Cys).